The following is an entry in ClinVar:

NM_001378030.1(CCDC78):c.622C>A (p.Leu208Met)

Gene: CCDC78 (coiled-coil domain containing 78; minus strand). Cytogenetic location: 16p13.3.
Variant type: single nucleotide variant.
Coding change: c.622C>A on transcript NM_001378030.1 (MANE Select); coding-DNA position 622, C replaced by A.
Protein change: p.Leu208Met; replaces leucine 208 with methionine.
Molecular consequence: missense variant. On other transcripts: non-coding transcript variant (5), intron variant (1).
Genome position (GRCh38, 1-based): chr16:724,928, G>T on the plus strand (C>A on the coding strand, the complement: CCDC78 is on the minus strand). VCF-style: chr16-724928-G-T. GRCh37 (hg19) VCF-style: chr16-774928-G-T.
Other names: c.622C>A, p.Leu208Met (NM_001031737.3, NM_001378031.1); c.198+150C>A (NM_001378033.1); short protein forms L208M.
Identifiers: ClinVar variation 4751116 (VCV004751116.1).

ClinVar aggregate classification (germline): Uncertain significance (1 of 4 stars; one submission).

Conditions:
Congenital myopathy with internal nuclei and atypical cores. Also called: Myopathy, centronuclear, 4. Identifiers: Orphanet 319160, MedGen C4707232, MONDO:0013890, OMIM 614807.

gnomAD v4.1: 2 of 1,605,822 alleles (0.00012%); highest among the groups gnomAD compares: South Asian, 0.0022%; no homozygotes.

Submission:

Labcorp Genetics (formerly Invitae), Labcorp
Classification: Uncertain significance for Congenital myopathy with internal nuclei and atypical cores. Last evaluated: 2025-06-01. Review status: criteria provided, single submitter. Criteria: Invitae Variant Classification Sherloc (09022015). Collection method: clinical testing. Allele origin: germline.
Comment: This sequence change replaces leucine, which is neutral and non-polar, with methionine, which is neutral and non-polar, at codon 208 of the CCDC78 protein (p.Leu208Met). This variant is present in population databases (rs772492027, gnomAD 0.01%). This variant has not been reported in the literature in individuals affected with CCDC78-related conditions. Invitae Evidence Modeling of protein sequence and biophysical properties (such as structural, functional, and spatial information, amino acid conservation, physicochemical variation, residue mobility, and thermodynamic stability) indicates that this missense variant is not expected to disrupt CCDC78 protein function with a negative predictive value of 80%. In summary, the available evidence is currently insufficient to determine the role of this variant in disease. Therefore, it has been classified as a Variant of Uncertain Significance.